The following is an entry in ClinVar:

ClinVar aggregate classification (germline): Uncertain significance (1 of 4 stars; one submission).

Conditions:
Periventricular nodular heterotopia 9. Identifiers: MedGen C5394503, MONDO:0030061, OMIM 618918.

Allele frequency attached by ClinVar (database versions not stated): TOPMed 0.00001.

Submission:

Illumina Laboratory Services, Illumina
Classification: Uncertain significance for Periventricular nodular heterotopia 9. Last evaluated: 2020-07-23. Review status: criteria provided, single submitter. Criteria: ICSLVariantClassificationCriteria RUGD 01 April 2020. Collection method: clinical testing. Allele origin: unknown.
Comment: The MAP1B c.1179G>A (p.Met393Ile) variant is a missense variant. A literature search was performed for the gene, cDNA change, and amino acid change. No publications were found based on this search. This variant is not found in the Genome Aggregation Database in a region of good sequence coverage, so the variant is presumed to be rare. Based on the limited evidence, the p.Met393Ile variant is classified as a variant of uncertain significance for periventricular nodular heterotopia.

NM_005909.5(MAP1B):c.1179G>A (p.Met393Ile)

Gene: MAP1B (microtubule associated protein 1B; plus strand). Cytogenetic location: 5q13.2.
Variant type: single nucleotide variant.
Coding change: c.1179G>A on transcript NM_005909.5 (MANE Select); coding-DNA position 1179, G replaced by A.
Protein change: p.Met393Ile; replaces methionine 393 with isoleucine.
Molecular consequence: missense variant.
Genome position (GRCh38, 1-based): chr5:72,194,534, G>A. VCF-style: chr5-72194534-G-A. GRCh37 (hg19) VCF-style: chr5-71490361-G-A.
Other names: c.801G>A, p.Met267Ile (NM_001324255.2); short protein forms M267I, M393I.
Identifiers: ClinVar variation 989240 (VCV000989240.4), dbSNP rs1747102672, ClinGen allele CA359996813.